The following is an entry in ClinVar:

NM_138387.4(G6PC3):c.904C>G (p.His302Asp)

Gene: G6PC3 (glucose-6-phosphatase catalytic subunit 3; plus strand). Cytogenetic location: 17q21.31.
Variant type: single nucleotide variant.
Coding change: c.904C>G on transcript NM_138387.4 (MANE Select); coding-DNA position 904, C replaced by G.
Protein change: p.His302Asp; replaces histidine 302 with aspartic acid.
Molecular consequence: missense variant. On other transcripts: 3 prime UTR variant (1).
Genome position (GRCh38, 1-based): chr17:44,075,906, C>G. VCF-style: chr17-44075906-C-G. GRCh37 (hg19) VCF-style: chr17-42153274-C-G.
Other names: c.*197C>G (NM_001319945.2); c.559C>G, p.His187Asp (NM_001384165.1, NM_001384166.1, NM_001384167.1 and 1 more transcripts); short protein forms H187D, H302D.
Identifiers: ClinVar variation 4260977 (VCV004260977.1).

ClinVar aggregate classification (germline): Uncertain significance (1 of 4 stars; one submission).

Conditions:
Inborn genetic diseases. Identifiers: MedGen C0950123, MeSH D030342.

Submission:

Ambry Genetics
Classification: Uncertain significance for Inborn genetic diseases. Last evaluated: 2025-07-07. Review status: criteria provided, single submitter. Criteria: Ambry Variant Classification Scheme 2023. Collection method: clinical testing. Allele origin: germline.
Comment: The p.H302D variant (also known as c.904C>G), located in coding exon 6 of the G6PC3 gene, results from a C to G substitution at nucleotide position 904. The histidine at codon 302 is replaced by aspartic acid, an amino acid with similar properties. This amino acid position is conserved. In addition, this alteration is predicted to be tolerated by in silico analysis. Based on the available evidence, the clinical significance of this variant remains unclear.